The following is an entry in ClinVar:

NM_001375524.1(TRRAP):c.5256C>A (p.Ser1752Arg)

Genes: TRRAP (transformation/transcription domain associated protein; plus strand), LOC126860121 (MED14-independent group 3 enhancer GRCh37_chr7:98547245-98548444; plus strand). Cytogenetic location: 7q22.1.
Variant type: single nucleotide variant.
Coding change: c.5256C>A on transcript NM_001375524.1 (MANE Select); coding-DNA position 5256, C replaced by A.
Protein change: p.Ser1752Arg; replaces serine 1752 with arginine.
Molecular consequence: missense variant.
Genome position (GRCh38, 1-based): chr7:98,950,184, C>A. VCF-style: chr7-98950184-C-A. GRCh37 (hg19) VCF-style: chr7-98547807-C-A.
Other names: c.5235C>A, p.Ser1745Arg (NM_001244580.2); c.5181C>A, p.Ser1727Arg (NM_003496.4); short protein forms S1727R, S1745R, S1752R.
Identifiers: ClinVar variation 1720803 (VCV001720803.6), dbSNP rs1791270375, ClinGen allele CA368317349.

ClinVar aggregate classification (germline): Uncertain significance (1 of 4 stars; one submission).

Allele frequency attached by ClinVar (database versions not stated): TOPMed below 0.00001.

Submission:

Labcorp Genetics (formerly Invitae), Labcorp
Classification: Uncertain significance. Last evaluated: 2022-10-01. Review status: criteria provided, single submitter. Criteria: Invitae Variant Classification Sherloc (09022015). Collection method: clinical testing. Allele origin: germline.
Comment: In summary, the available evidence is currently insufficient to determine the role of this variant in disease. Therefore, it has been classified as a Variant of Uncertain Significance. Advanced modeling of protein sequence and biophysical properties (such as structural, functional, and spatial information, amino acid conservation, physicochemical variation, residue mobility, and thermodynamic stability) performed at Invitae indicates that this missense variant is expected to disrupt TRRAP protein function. This variant has not been reported in the literature in individuals affected with TRRAP-related conditions. This variant is not present in population databases (gnomAD no frequency). This sequence change replaces serine, which is neutral and polar, with arginine, which is basic and polar, at codon 1727 of the TRRAP protein (p.Ser1727Arg).